The following is an entry in ClinVar:

NM_000273.3(GPR143):c.721G>A (p.Val241Met)

Gene: GPR143 (G protein-coupled receptor 143; minus strand). Cytogenetic location: Xp22.2.
Variant type: single nucleotide variant.
Coding change: c.721G>A on transcript NM_000273.3 (MANE Select); coding-DNA position 721, G replaced by A.
Protein change: p.Val241Met; replaces valine 241 with methionine.
Molecular consequence: missense variant.
Genome position (GRCh38, 1-based): chrX:9,743,611, C>T on the plus strand (G>A on the coding strand, the complement: GPR143 is on the minus strand). VCF-style: chrX-9743611-C-T. GRCh37 (hg19) VCF-style: chrX-9711651-C-T.
Other names: short protein forms V241M.
Identifiers: ClinVar variation 1461493 (VCV001461493.8), dbSNP rs897101459, ClinGen allele CA326094036.

ClinVar aggregate classification (germline): Uncertain significance (1 of 4 stars; one submission).

Allele frequency attached by ClinVar (database versions not stated): TOPMed below 0.00001; gnomAD 0.00001; gnomAD exomes 0.00001.

Submission:

Labcorp Genetics (formerly Invitae), Labcorp
Classification: Uncertain significance. Last evaluated: 2021-08-02. Review status: criteria provided, single submitter. Criteria: Invitae Variant Classification Sherloc (09022015). Collection method: clinical testing. Allele origin: germline.
Comment: In summary, the available evidence is currently insufficient to determine the role of this variant in disease. Therefore, it has been classified as a Variant of Uncertain Significance. This sequence change replaces valine with methionine at codon 241 of the GPR143 protein (p.Val241Met). The valine residue is moderately conserved and there is a small physicochemical difference between valine and methionine. This variant is not present in population databases (ExAC no frequency). This variant has not been reported in the literature in individuals affected with GPR143-related conditions. Algorithms developed to predict the effect of missense changes on protein structure and function output the following: SIFT: "Tolerated"; PolyPhen-2: "Benign"; Align-GVGD: "Class C0". The methionine amino acid residue is found in multiple mammalian species, which suggests that this missense change does not adversely affect protein function.